The following is an entry in ClinVar:

NM_001204.7(BMPR2):c.2849A>G (p.Asp950Gly)

Gene: BMPR2 (bone morphogenetic protein receptor type 2; plus strand). Cytogenetic location: 2q33.2.
Variant type: single nucleotide variant.
Coding change: c.2849A>G on transcript NM_001204.7 (MANE Select); coding-DNA position 2849, A replaced by G.
Protein change: p.Asp950Gly; replaces aspartic acid 950 with glycine.
Molecular consequence: missense variant.
Genome position (GRCh38, 1-based): chr2:202,556,514, A>G. VCF-style: chr2-202556514-A-G. GRCh37 (hg19) VCF-style: chr2-203421237-A-G.
Other names: short protein forms D950G.
Identifiers: ClinVar variation 4214522 (VCV004214522.1).

ClinVar aggregate classification (germline): Uncertain significance (1 of 4 stars; one submission).

Conditions:
Inborn genetic diseases. Identifiers: MedGen C0950123, MeSH D030342.

Submission:

Ambry Genetics
Classification: Uncertain significance for Inborn genetic diseases. Last evaluated: 2025-08-20. Review status: criteria provided, single submitter. Criteria: Ambry Variant Classification Scheme 2023. Collection method: clinical testing. Allele origin: germline.
Comment: The p.D950G variant (also known as c.2849A>G), located in coding exon 12 of the BMPR2 gene, results from an A to G substitution at nucleotide position 2849. The aspartic acid at codon 950 is replaced by glycine, an amino acid with similar properties. This amino acid position is conserved. In addition, the in silico prediction for this alteration is inconclusive. Based on the available evidence, the clinical significance of this variant remains unclear.